The following is an entry in ClinVar:

NM_001127222.2(CACNA1A):c.3911A>C (p.Gln1304Pro)

Genes: CACNA1A (calcium voltage-gated channel subunit alpha1 A; minus strand), LOC126862865 (CDK7 strongly-dependent group 2 enhancer GRCh37_chr19:13385818-13387017; plus strand). Cytogenetic location: 19p13.13.
Variant type: single nucleotide variant.
Coding change: c.3911A>C on transcript NM_001127222.2 (MANE Select); coding-DNA position 3911, A replaced by C.
Protein change: p.Gln1304Pro; replaces glutamine 1304 with proline.
Molecular consequence: missense variant.
Genome position (GRCh38, 1-based): chr19:13,275,928, T>G on the plus strand (A>C on the coding strand, the complement: CACNA1A is on the minus strand). VCF-style: chr19-13275928-T-G. GRCh37 (hg19) VCF-style: chr19-13386742-T-G.
Other names: c.3923A>C, p.Gln1308Pro (NM_000068.4, NM_023035.3); c.3914A>C, p.Gln1305Pro (NM_001127221.2, NM_001174080.2); short protein forms Q1305P, Q1308P, Q1304P.
Identifiers: ClinVar variation 446921 (VCV000446921.14), dbSNP rs755279579, ClinGen allele CA9240146.

ClinVar aggregate classification (germline): Conflicting classifications of pathogenicity. Review status: criteria provided, conflicting classifications (1 of 4 stars). 5 submissions from 5 submitters: Uncertain significance (4); Likely benign (1). Last evaluated 2026-04-20.

Conditions:
Episodic ataxia type 2 (EA2). Also called: ATAXIA, EPISODIC, WITH NYSTAGMUS; ATAXIA, FAMILIAL PAROXYSMAL; CEREBELLAR ATAXIA, PAROXYSMAL, ACETAZOLAMIDE-RESPONSIVE; CEREBELLOPATHY, HEREDITARY PAROXYSMAL; ACETAZOLAMIDE-RESPONSIVE HEREDITARY PAROXYSMAL CEREBELLAR ATAXIA; EPISODIC ATAXIA, NYSTAGMUS-ASSOCIATED. Identifiers: Orphanet 97, MedGen C1720416, MONDO:0007163, OMIM 108500.
Developmental and epileptic encephalopathy, 42 (DEE42A). Also called: Epileptic encephalopathy, early infantile, 42; DEVELOPMENTAL AND EPILEPTIC ENCEPHALOPATHY 42A; EPILEPTIC ENCEPHALOPATHY, EARLY INFANTILE, 42A. Identifiers: MedGen C4310716, MONDO:0014917, OMIM 617106.
Inborn genetic diseases. Identifiers: MedGen C0950123, MeSH D030342.

Allele frequency attached by ClinVar (database versions not stated): gnomAD exomes 0.00001 and 0.00003; ExAC 0.00006; gnomAD 0.00009; TOPMed 0.00009.
gnomAD v4.1: 29 of 1,613,536 alleles (0.0018%); highest among the groups gnomAD compares: African/African-American, 0.032%; no homozygotes.

Submissions (5):

Women's Health and Genetics/Laboratory Corporation of America, LabCorp
Classification: Uncertain significance. Last evaluated: 2026-04-20. Review status: criteria provided, single submitter. Criteria: LabCorp Variant Classification Summary - May 2015. Collection method: clinical testing. Allele origin: germline.
Comment: Variant summary: CACNA1A c.3914A>C (p.Gln1305Pro) results in a non-conservative amino acid change in the encoded protein sequence. Algorithms developed to predict the effect of missense changes on protein structure and function are either unavailable or do not agree on the potential impact of this missense change. The variant allele was found at a frequency of 3.2e-05 in 248984 control chromosomes. The available data on variant occurrences in the general population are insufficient to allow any conclusion about variant significance. To our knowledge, no occurrence of c.3914A>C in individuals affected with CACNA1A-related conditions and no experimental evidence demonstrating its impact on protein function have been reported. ClinVar contains an entry for this variant (Variation ID: 446921). Based on the evidence outlined above, the variant was classified as uncertain significance.

Ambry Genetics
Classification: Uncertain significance for Inborn genetic diseases. Last evaluated: 2026-02-17. Review status: criteria provided, single submitter. Criteria: Ambry Variant Classification Scheme 2023. Collection method: clinical testing. Allele origin: germline.
Comment: The c.3914A>C (p.Q1305P) alteration is located in exon 24 (coding exon 24) of the CACNA1A gene. This alteration results from a A to C substitution at nucleotide position 3914, causing the glutamine (Q) at amino acid position 1305 to be replaced by a proline (P). Based on data from gnomAD, the C allele has an overall frequency of 0.003% (9/280346) total alleles studied. The highest observed frequency was 0.029% (7/24162) of African alleles. Based on insufficient or conflicting evidence, the clinical significance of this alteration remains unclear.

Labcorp Genetics (formerly Invitae), Labcorp
Classification: Likely benign for Developmental and epileptic encephalopathy, 42; Episodic ataxia type 2. Last evaluated: 2025-03-05. Review status: criteria provided, single submitter. Criteria: Invitae Variant Classification Sherloc (09022015). Collection method: clinical testing. Allele origin: germline.

GeneDx
Classification: Uncertain significance. Last evaluated: 2024-07-24. Review status: criteria provided, single submitter. Criteria: GeneDx Variant Classification Process June 2021. Collection method: clinical testing. Allele origin: germline. Affected: yes.
Comment: In silico analysis indicates that this missense variant does not alter protein structure/function; Has not been previously published as pathogenic or benign to our knowledge

Athena Diagnostics
Classification: Uncertain significance. Last evaluated: 2016-10-14. Review status: criteria provided, single submitter. Criteria: Athena Diagnostics Criteria. Collection method: clinical testing. Allele origin: germline.